The following is an entry in ClinVar:

ClinVar aggregate classification (germline): Pathogenic (1 of 4 stars; one submission).

Conditions:
Very long chain acyl-CoA dehydrogenase deficiency (ACADVLD). Also called: VLCAD Deficiency; Very Long-Chain Acyl-Coenzyme A Dehydrogenase Deficiency. Identifiers: Orphanet 26793, MedGen C3887523, MONDO:0008723, OMIM 201475.

Allele frequency attached by ClinVar (database versions not stated): gnomAD exomes below 0.00001.
gnomAD v4.1: 2 of 1,613,908 alleles (0.00012%); highest among the groups gnomAD compares: Non-Finnish European, 0.00017%; no homozygotes.

Submission:

Labcorp Genetics (formerly Invitae), Labcorp
Classification: Pathogenic for Very long chain acyl-CoA dehydrogenase deficiency. Last evaluated: 2023-01-09. Review status: criteria provided, single submitter. Criteria: Invitae Variant Classification Sherloc (09022015). Collection method: clinical testing. Allele origin: germline.
Comment: Disruption of this splice site has been observed in individual(s) with very long-chain acyl-CoA dehydrogenase deficiency (PMID: 30194637). For these reasons, this variant has been classified as Pathogenic. Algorithms developed to predict the effect of sequence changes on RNA splicing suggest that this variant may disrupt the consensus splice site. This variant is not present in population databases (gnomAD no frequency). This sequence change affects a donor splice site in intron 13 of the ACADVL gene. It is expected to disrupt RNA splicing. Variants that disrupt the donor or acceptor splice site typically lead to a loss of protein function (PMID: 16199547), and loss-of-function variants in ACADVL are known to be pathogenic (PMID: 9973285, 11590124).

Literature cited by the submitters: PubMed 30194637; PubMed 16199547; PubMed 9973285; PubMed 11590124.

NM_000018.4(ACADVL):c.1332+2T>C

Gene: ACADVL (acyl-CoA dehydrogenase very long chain; plus strand). Cytogenetic location: 17p13.1.
Variant type: single nucleotide variant.
Coding change: c.1332+2T>C on transcript NM_000018.4 (MANE Select); the canonical splice donor site of the intron after coding-DNA position 1332, T replaced by C.
Molecular consequence: splice donor variant.
Genome position (GRCh38, 1-based): chr17:7,223,877, T>C. VCF-style: chr17-7223877-T-C. GRCh37 (hg19) VCF-style: chr17-7127196-T-C.
Other names: c.1401+2T>C (NM_001270447.2); c.1104+2T>C (NM_001270448.2); c.1266+2T>C (NM_001033859.3).
Identifiers: ClinVar variation 2986823 (VCV002986823.3), dbSNP rs1398874051, ClinGen allele CA397724895.
Genomic context (GRCh38, chr17:7,223,877, plus strand): 5'-CAGCCTGGAAGGTGACAGATGAATGCATCCAAATCATGGGGGGTATGGGCTTCATGAAGG[T>C]ACAGGACGGTCTTCTGCAGAGCCTCGGCTGGGCCAGGGGTGGGTAGGCACATCTCAGCAC-3'